The following is an entry in ClinVar:

NM_033022.4(RPS24):c.174T>G (p.Phe58Leu)

Gene: RPS24 (ribosomal protein S24; plus strand). Cytogenetic location: 10q22.3.
Variant type: single nucleotide variant.
Coding change: c.174T>G on transcript NM_033022.4 (MANE Select); coding-DNA position 174, T replaced by G.
Protein change: p.Phe58Leu; replaces phenylalanine 58 with leucine.
Molecular consequence: missense variant.
Genome position (GRCh38, 1-based): chr10:78,035,615, T>G. VCF-style: chr10-78035615-T-G. GRCh37 (hg19) VCF-style: chr10-79795373-T-G.
Other names: c.174T>G, p.Phe58Leu (NM_001026.5, NM_001142282.2, NM_001142283.2 and 2 more transcripts); short protein forms F58L.
Identifiers: ClinVar variation 1308753 (VCV001308753.2), dbSNP rs2131976687, ClinGen allele CA377328713.

ClinVar aggregate classification (germline): Uncertain significance (1 of 4 stars; one submission).

Submission:

GeneDx
Classification: Uncertain significance. Last evaluated: 2019-10-04. Review status: criteria provided, single submitter. Criteria: GeneDx Variant Classification Process June 2021. Collection method: clinical testing. Allele origin: germline. Affected: yes.
Comment: Not observed in large population cohorts (Lek et al., 2016); In silico analysis, which includes protein predictors and evolutionary conservation, supports a deleterious effect; Has not been previously published as pathogenic or benign to our knowledge